The following is an entry in ClinVar:

NM_001543.5(NDST1):c.322C>G (p.Arg108Gly)

Gene: NDST1 (N-deacetylase and N-sulfotransferase 1; plus strand). Cytogenetic location: 5q33.1.
Variant type: single nucleotide variant.
Coding change: c.322C>G on transcript NM_001543.5 (MANE Select); coding-DNA position 322, C replaced by G.
Protein change: p.Arg108Gly; replaces arginine 108 with glycine.
Molecular consequence: missense variant.
Genome position (GRCh38, 1-based): chr5:150,521,576, C>G. VCF-style: chr5-150521576-C-G. GRCh37 (hg19) VCF-style: chr5-149901138-C-G.
Other names: c.322C>G, p.Arg108Gly (NM_001301063.2); short protein forms R108G.
Identifiers: ClinVar variation 4985929 (VCV004985929.1).

ClinVar aggregate classification (germline): Uncertain significance (1 of 4 stars; one submission).

Conditions:
NDST1-related disorder. Also called: NDST1-related condition.

Submission:

PreventionGenetics, part of Exact Sciences
Classification: Uncertain significance for NDST1-related condition. Last evaluated: 2024-11-12. Review status: criteria provided, single submitter. Criteria: ACMG Guidelines, 2015. Collection method: clinical testing. Allele origin: germline.
Comment: The NDST1 c.322C>G variant is predicted to result in the amino acid substitution p.Arg108Gly. To our knowledge, this variant has not been reported in the literature or in a large population database (gnomAD), indicating this variant is rare. At this time, the clinical significance of this variant is uncertain due to the absence of conclusive functional and genetic evidence.